The following is an entry in ClinVar:

NM_005045.4(RELN):c.7641G>A (p.Ala2547=)

Gene: RELN (reelin; minus strand). Cytogenetic location: 7q22.1.
Variant type: single nucleotide variant.
Coding change: c.7641G>A on transcript NM_005045.4 (MANE Select); coding-DNA position 7641, G replaced by A.
Protein change: p.Ala2547=; no amino-acid change (alanine 2547 retained).
Molecular consequence: synonymous variant.
Genome position (GRCh38, 1-based): chr7:103,522,049, C>T on the plus strand (G>A on the coding strand, the complement: RELN is on the minus strand). VCF-style: chr7-103522049-C-T. GRCh37 (hg19) VCF-style: chr7-103162496-C-T.
Other names: c.7641G>A, p.Ala2547= (NM_173054.3).
Identifiers: ClinVar variation 740478 (VCV000740478.12), dbSNP rs749089939, ClinGen allele CA4420694.
Genomic context (GRCh38, chr7:103,522,049, plus strand): 5'-GCAGAAATGAGTAACCAGCAGCCAAACACTCACCCCACTGAAATGGAGAGCCATTCCCGA[C>T]GCCACGGCTCCACACACTGTACTCAATTTCCCTCCGTTCACAGTCAGCCAGTTCTGACTG-3'
Protein context (NP_005036.2, residues 2537-2557): GKLSTVCGAV[Ala2547=]SGMALHFSGG

ClinVar aggregate classification (germline): Likely benign. Review status: criteria provided, multiple submitters, no conflicts (2 of 4 stars). 3 submissions from 3 submitters: Likely benign (3). Last evaluated 2026-08-01.

Conditions:
Norman-Roberts syndrome (LIS2). Also called: Lissencephaly 2 (Norman-Roberts type). Identifiers: Orphanet 89844, MedGen C0796089, MONDO:0009760, OMIM 257320.
Familial temporal lobe epilepsy 7. Identifiers: Orphanet 101046, MedGen C4225327, MONDO:0014639, OMIM 616436.

Allele frequency attached by ClinVar (database versions not stated): gnomAD 0.00001; TOPMed 0.00001; ExAC 0.00002; gnomAD exomes 0.00003.
gnomAD v4.1: 46 of 1,613,976 alleles (0.0029%); highest among the groups gnomAD compares: South Asian, 0.024%; no homozygotes.

Submissions (3):

CeGaT Center for Human Genetics Tuebingen
Classification: Likely benign. Last evaluated: 2026-08-01. Review status: criteria provided, single submitter. Criteria: CeGaT Center For Human Genetics Tuebingen Variant Classification Criteria Version 2. Collection method: clinical testing. Allele origin: germline. Affected: yes. Observed: 1 variant allele.
Comment: RELN: BP4, BP7

Labcorp Genetics (formerly Invitae), Labcorp
Classification: Likely benign for Familial temporal lobe epilepsy 7; Norman-Roberts syndrome. Last evaluated: 2025-11-03. Review status: criteria provided, single submitter. Criteria: Invitae Variant Classification Sherloc (09022015). Collection method: clinical testing. Allele origin: germline.

Blueprint Genetics
Classification: Likely benign. Last evaluated: 2019-11-18. Review status: criteria provided, single submitter. Criteria: ACMG Guidelines, 2015. Collection method: clinical testing. Allele origin: germline.